The following is an entry in ClinVar:

NM_000188.3(HK1):c.2219+5C>A

Gene: HK1 (hexokinase 1; plus strand). Cytogenetic location: 10q22.1.
Variant type: single nucleotide variant.
Coding change: c.2219+5C>A on transcript NM_000188.3 (MANE Select); 5 bases into the intron after coding-DNA position 2219, C replaced by A.
Molecular consequence: intron variant.
Genome position (GRCh38, 1-based): chr10:69,392,313, C>A. VCF-style: chr10-69392313-C-A. GRCh37 (hg19) VCF-style: chr10-71152069-C-A.
Other names: c.2183+5C>A (NM_033500.2); c.2324+5C>A (NM_001322365.2); c.2231+5C>A (NM_033498.3, NM_033497.3, NM_001322364.2 and 1 more transcripts); c.2216+5C>A (NM_033496.3); c.2135+5C>A (NM_001322366.1); c.2123+5C>A (NM_001322367.1).
Identifiers: ClinVar variation 1360976 (VCV001360976.6), dbSNP rs1839930555, ClinGen allele CA929622759.

ClinVar aggregate classification (germline): Uncertain significance (1 of 4 stars; one submission).

Allele frequency attached by ClinVar (database versions not stated): gnomAD 0.00001; gnomAD exomes 0.00001.

Submission:

Labcorp Genetics (formerly Invitae), Labcorp
Classification: Uncertain significance. Last evaluated: 2025-10-18. Review status: criteria provided, single submitter. Criteria: Invitae Variant Classification Sherloc (09022015). Collection method: clinical testing. Allele origin: germline.
Comment: This sequence change falls in intron 15 of the HK1 gene. It does not directly change the encoded amino acid sequence of the HK1 protein. It affects a nucleotide within the consensus splice site. This variant is not present in population databases (gnomAD no frequency). This variant has not been reported in the literature in individuals affected with HK1-related conditions. ClinVar contains an entry for this variant (Variation ID: 1360976). Variants that disrupt the consensus splice site are a relatively common cause of aberrant splicing (PMID: 17576681, 9536098). Algorithms developed to predict the effect of sequence changes on RNA splicing suggest that this variant is not likely to affect RNA splicing. In summary, the available evidence is currently insufficient to determine the role of this variant in disease. Therefore, it has been classified as a Variant of Uncertain Significance.

Literature cited by the submitters: PubMed 17576681; PubMed 9536098.